The following is an entry in ClinVar:

NM_005751.5(AKAP9):c.288G>T (p.Glu96Asp)

Gene: AKAP9 (A-kinase anchoring protein 9; plus strand). Cytogenetic location: 7q21.2.
Variant type: single nucleotide variant.
Coding change: c.288G>T on transcript NM_005751.5 (MANE Select); coding-DNA position 288, G replaced by T.
Protein change: p.Glu96Asp; replaces glutamic acid 96 with aspartic acid.
Molecular consequence: missense variant.
Genome position (GRCh38, 1-based): chr7:91,973,950, G>T. VCF-style: chr7-91973950-G-T. GRCh37 (hg19) VCF-style: chr7-91603264-G-T.
Other names: p.E96D:GAG>GAT; c.288G>T, p.Glu96Asp (NM_147185.3); short protein forms E96D.
Identifiers: ClinVar variation 190501 (VCV000190501.23), dbSNP rs34953651, ClinGen allele CA300651.

ClinVar aggregate classification (germline): Likely benign. Review status: criteria provided, multiple submitters, no conflicts (2 of 4 stars). 6 submissions from 6 submitters: Likely benign (5). 1 of the submissions does not count toward it. Last evaluated 2026-02-03.

Conditions:
Cardiovascular phenotype. Identifiers: MedGen CN230736.
AKAP9-related disorder. Also called: AKAP9-related condition.
Long QT syndrome (LQTS). Identifiers: MedGen C0023976, MeSH D008133, MONDO:0002442. Disease mechanism: loss of function. Inheritance: Various modes of inheritance.
Long QT syndrome 11 (LQT11). Identifiers: Orphanet 101016, Orphanet 768, MedGen C2678483, MONDO:0012738, OMIM 611820.

Allele frequency attached by ClinVar (database versions not stated): gnomAD 0.00105 and 0.00112; TOPMed 0.00115; ESP Exome Variant Server 0.00123; 1000 Genomes Project 0.00140; 1000 Genomes Project 30x 0.00141.
gnomAD v4.1: 278 of 1,613,966 alleles (0.017%); highest among the groups gnomAD compares: African/African-American, 0.34%; 1 homozygote.

Submissions (6):

Labcorp Genetics (formerly Invitae), Labcorp
Classification: Likely benign for Long QT syndrome. Last evaluated: 2026-02-03. Review status: criteria provided, single submitter. Criteria: Invitae Variant Classification Sherloc (09022015). Collection method: clinical testing. Allele origin: germline.

CeGaT Center for Human Genetics Tuebingen
Classification: Likely benign. Last evaluated: 2025-11-01. Review status: criteria provided, single submitter. Criteria: CeGaT Center For Human Genetics Tuebingen Variant Classification Criteria Version 2. Collection method: clinical testing. Allele origin: germline. Affected: yes. Observed: 1 variant allele.
Comment: AKAP9: BP4, BS1

Fulgent Genetics
Classification: Likely benign for Long QT syndrome 11. Last evaluated: 2021-08-12. Review status: criteria provided, single submitter. Criteria: ACMG Guidelines, 2015. Collection method: clinical testing. Allele origin: unknown.

Ambry Genetics
Classification: Likely benign for Cardiovascular phenotype. Last evaluated: 2018-04-24. Review status: criteria provided, single submitter. Criteria: Ambry Variant Classification Scheme 2023. Collection method: clinical testing. Allele origin: germline.

GeneDx
Classification: Likely benign. Last evaluated: 2015-12-01. Review status: criteria provided, single submitter. Criteria: GeneDx Variant Classification (06012015). Collection method: clinical testing. Allele origin: germline. Affected: yes.
Comment: This variant is considered likely benign or benign based on one or more of the following criteria: it is a conservative change, it occurs at a poorly conserved position in the protein, it is predicted to be benign by multiple in silico algorithms, and/or has population frequency not consistent with disease.

PreventionGenetics, part of Exact Sciences
Classification: Likely benign for AKAP9-related condition. Last evaluated: 2020-05-01. Review status: no assertion criteria provided. Collection method: clinical testing. Allele origin: germline. Not counted in ClinVar's aggregate classification.
Comment: This variant is classified as likely benign based on ACMG/AMP sequence variant interpretation guidelines (Richards et al. 2015 PMID: 25741868, with internal and published modifications).